The following is an entry in ClinVar:

ClinVar aggregate classification (germline): Uncertain significance (1 of 4 stars; one submission).

Allele frequency attached by ClinVar (database versions not stated): gnomAD exomes 0.00001; ExAC 0.00002; gnomAD 0.00002; TOPMed 0.00002.
gnomAD v4.1: 13 of 1,612,112 alleles (0.00081%); highest among the groups gnomAD compares: Admixed American, 0.0083%; no homozygotes.

Submission:

Labcorp Genetics (formerly Invitae), Labcorp
Classification: Uncertain significance. Last evaluated: 2025-11-23. Review status: criteria provided, single submitter. Criteria: Invitae Variant Classification Sherloc (09022015). Collection method: clinical testing. Allele origin: germline.
Comment: This sequence change replaces arginine, which is basic and polar, with glutamine, which is neutral and polar, at codon 230 of the ARHGAP31 protein (p.Arg230Gln). This variant is present in population databases (rs762629877, gnomAD 0.01%). This variant has not been reported in the literature in individuals affected with ARHGAP31-related conditions. ClinVar contains an entry for this variant (Variation ID: 1905073). An algorithm developed to predict the effect of missense changes on protein structure and function outputs the following: PolyPhen-2: "Benign". The glutamine amino acid residue is found in multiple mammalian species, which suggests that this missense change does not adversely affect protein function. In summary, the available evidence is currently insufficient to determine the role of this variant in disease. Therefore, it has been classified as a Variant of Uncertain Significance.

NM_020754.4(ARHGAP31):c.689G>A (p.Arg230Gln)

Gene: ARHGAP31 (Rho GTPase activating protein 31; plus strand). Cytogenetic location: 3q13.33.
Variant type: single nucleotide variant.
Coding change: c.689G>A on transcript NM_020754.4 (MANE Select); coding-DNA position 689, G replaced by A.
Protein change: p.Arg230Gln; replaces arginine 230 with glutamine.
Molecular consequence: missense variant.
Genome position (GRCh38, 1-based): chr3:119,390,791, G>A. VCF-style: chr3-119390791-G-A. GRCh37 (hg19) VCF-style: chr3-119109638-G-A.
Other names: short protein forms R230Q.
Identifiers: ClinVar variation 1905073 (VCV001905073.5), dbSNP rs762629877, ClinGen allele CA2553687.
Genomic context (GRCh38, chr3:119,390,791, plus strand): 5'-TGGATGTGATGGGCAGGCCTCCTCCAACACTGAGCTCTTCCATTGCCTTTACAGAAAACC[G>A]GCCCATCATGAAGAGCCTGACCTTGCCAGCCCTCTCCCTGCCCATGAAGCTGGTGAGCCT-3'
Protein context (NP_065805.2, residues 220-240): APGSLENDEN[Arg230Gln]PIMKSLTLPA